The following is an entry in ClinVar:

ClinVar aggregate classification (germline): Benign (0 of 4 stars; one submission).

Conditions:
EFCAB13-related disorder. Also called: EFCAB13-related condition.

Submission:

PreventionGenetics, part of Exact Sciences
Classification: Benign for EFCAB13-related condition. Last evaluated: 2019-02-22. Review status: no assertion criteria provided. Collection method: clinical testing. Allele origin: germline.
Comment: This variant is classified as benign based on ACMG/AMP sequence variant interpretation guidelines (Richards et al. 2015 PMID: 25741868, with internal and published modifications).

NM_152347.5(EFCAB13):c.1947dup (p.Gly650fs)

Gene: EFCAB13 (EF-hand calcium binding domain 13; plus strand). Cytogenetic location: 17q21.32.
Variant type: Duplication.
Coding change: c.1947dup on transcript NM_152347.5 (MANE Select); coding-DNA position 1947, one base duplicated (A; older notation c.1947dupA).
Protein change: p.Gly650fs; shifts the reading frame from glycine 650.
Molecular consequence: frameshift variant.
Genome position (GRCh38, 1-based): chr17:47,402,133, A duplicated; the last of 2 consecutive A bases (chr17:47,402,132-47,402,133); duplicating either gives the same sequence. VCF-style (leftmost placement, unchanged base first): chr17-47402131-G-GA. GRCh37 (hg19) VCF-style: chr17-45479497-G-GA.
Other names: c.1659dup, p.Gly554fs (NM_001195192.2); c.1947dup, p.Gly650Argfs (NM_001426585.1); c.1803dup, p.Gly602Argfs (NM_001426586.1, NM_001426587.1); c.1659dup, p.Gly554Argfs (NM_001426588.1); short protein forms G554fs, G650fs.
Identifiers: ClinVar variation 3038883 (VCV003038883.2), dbSNP rs138059918, ClinGen allele CA8624123.